The following is an entry in ClinVar:

NM_004859.4(CLTC):c.2255A>G (p.Asn752Ser)

Gene: CLTC (clathrin heavy chain; plus strand). Cytogenetic location: 17q23.1.
Variant type: single nucleotide variant.
Coding change: c.2255A>G on transcript NM_004859.4 (MANE Select); coding-DNA position 2255, A replaced by G.
Protein change: p.Asn752Ser; replaces asparagine 752 with serine.
Molecular consequence: missense variant.
Genome position (GRCh38, 1-based): chr17:59,668,903, A>G. VCF-style: chr17-59668903-A-G. GRCh37 (hg19) VCF-style: chr17-57746264-A-G.
Other names: c.2267A>G, p.Asn756Ser (NM_001288653.2); short protein forms N752S, N756S.
Identifiers: ClinVar variation 2728975 (VCV002728975.3), dbSNP rs2509386899, ClinGen allele CA400413866.

ClinVar aggregate classification (germline): Uncertain significance (1 of 4 stars; one submission).

Allele frequency attached by ClinVar (database versions not stated): gnomAD exomes below 0.00001.
gnomAD v4.1: 1 of 1,613,172 alleles (0.000062%); highest among the groups gnomAD compares: Non-Finnish European, 0.000085%; no homozygotes.

Submission:

Labcorp Genetics (formerly Invitae), Labcorp
Classification: Uncertain significance. Last evaluated: 2023-08-23. Review status: criteria provided, single submitter. Criteria: Invitae Variant Classification Sherloc (09022015). Collection method: clinical testing. Allele origin: germline.
Comment: In summary, the available evidence is currently insufficient to determine the role of this variant in disease. Therefore, it has been classified as a Variant of Uncertain Significance. Experimental studies and prediction algorithms are not available or were not evaluated, and the functional significance of this variant is currently unknown. This sequence change replaces asparagine, which is neutral and polar, with serine, which is neutral and polar, at codon 756 of the CLTC protein (p.Asn756Ser). This variant is not present in population databases (gnomAD no frequency). This variant has not been reported in the literature in individuals affected with CLTC-related conditions.